The following is an entry in ClinVar:

ClinVar aggregate classification (germline): Uncertain significance (1 of 4 stars; one submission).

Conditions:
Inborn genetic diseases. Identifiers: MedGen C0950123, MeSH D030342.

Submission:

Ambry Genetics
Classification: Uncertain significance for Inborn genetic diseases. Last evaluated: 2025-11-14. Review status: criteria provided, single submitter. Criteria: Ambry Variant Classification Scheme 2023. Collection method: clinical testing. Allele origin: germline.
Comment: The c.692+3A>G intronic alteration consists of an A to G substitution 3 nucleotides after exon 3 of the COQ2 gene. This variant was not reported in population-based cohorts in the Genome Aggregation Database (gnomAD). Based on insufficient or conflicting evidence, the clinical significance of this alteration remains unclear.

NM_001358921.2(COQ2):c.542+3A>G

Gene: COQ2 (coenzyme Q2, polyprenyltransferase; minus strand). Cytogenetic location: 4q21.23.
Variant type: single nucleotide variant.
Coding change: c.542+3A>G on transcript NM_001358921.2 (MANE Select); 3 bases into the intron after coding-DNA position 542, A replaced by G.
Molecular consequence: intron variant.
Genome position (GRCh38, 1-based): chr4:83,273,493, T>C on the plus strand (A>G on the coding strand, the complement: COQ2 is on the minus strand). VCF-style: chr4-83273493-T-C. GRCh37 (hg19) VCF-style: chr4-84194646-T-C.
Other names: c.692+3A>G (NM_015697.9).
Identifiers: ClinVar variation 4616394 (VCV004616394.1).